The following is an entry in ClinVar:

NM_021625.5(TRPV4):c.1295C>A (p.Ser432Tyr)

Gene: TRPV4 (transient receptor potential cation channel subfamily V member 4; minus strand). Cytogenetic location: 12q24.11.
Variant type: single nucleotide variant.
Coding change: c.1295C>A on transcript NM_021625.5 (MANE Select); coding-DNA position 1295, C replaced by A.
Protein change: p.Ser432Tyr; replaces serine 432 with tyrosine.
Molecular consequence: missense variant. On other transcripts: intron variant (2).
Genome position (GRCh38, 1-based): chr12:109,796,562, G>T on the plus strand (C>A on the coding strand, the complement: TRPV4 is on the minus strand). VCF-style: chr12-109796562-G-T. GRCh37 (hg19) VCF-style: chr12-110234367-G-T.
Other names: c.1154C>A, p.Ser385Tyr (NM_001177428.2); c.1193C>A, p.Ser398Tyr (NM_001177431.2); c.1011+2052C>A (NM_001177433.1); c.1152+2052C>A (NM_147204.2); short protein forms S385Y, S398Y, S432Y.
Identifiers: ClinVar variation 3637649 (VCV003637649.2).
Genomic context (GRCh38, chr12:109,796,562, plus strand): 5'-CCATGCCCCCTCCTGGAGCCCACCTCAATCTTGCTGTTGTACACCAGGATCTCCAGCACG[G>T]AGGCCTCTTCCCCACACGTGTCCAGGGAGGAGAGGTCATAAAGCGAGGAATACACTGGCC-3'
Protein context (NP_067638.3, residues 422-442): SSLDTCGEEA[Ser432Tyr]VLEILVYNSK

ClinVar aggregate classification (germline): Uncertain significance (1 of 4 stars; one submission).

Conditions:
Charcot-Marie-Tooth disease axonal type 2C (HMSN2C). Also called: CHARCOT-MARIE-TOOTH DISEASE, AXONAL, AUTOSOMAL DOMINANT, TYPE 2C; Charcot-Marie-Tooth Neuropathy Type 2C; Charcot-Marie-Tooth Disease Type 2, TRPV4-Related (CMT2C). Identifiers: Orphanet 99937, MedGen C1853710, MONDO:0011633, OMIM 606071.

Submission:

Labcorp Genetics (formerly Invitae), Labcorp
Classification: Uncertain significance for Charcot-Marie-Tooth disease axonal type 2C. Last evaluated: 2024-05-06. Review status: criteria provided, single submitter. Criteria: Invitae Variant Classification Sherloc (09022015). Collection method: clinical testing. Allele origin: germline.
Comment: This sequence change replaces serine, which is neutral and polar, with tyrosine, which is neutral and polar, at codon 432 of the TRPV4 protein (p.Ser432Tyr). This variant is not present in population databases (gnomAD no frequency). This variant has not been reported in the literature in individuals affected with TRPV4-related conditions. Advanced modeling of protein sequence and biophysical properties (such as structural, functional, and spatial information, amino acid conservation, physicochemical variation, residue mobility, and thermodynamic stability) has been performed at Invitae for this missense variant, however the output from this modeling did not meet the statistical confidence thresholds required to predict the impact of this variant on TRPV4 protein function. In summary, the available evidence is currently insufficient to determine the role of this variant in disease. Therefore, it has been classified as a Variant of Uncertain Significance.